The following is an entry in ClinVar:

NM_001430.5(EPAS1):c.218-11_218-10insGCT

Gene: EPAS1 (endothelial PAS domain protein 1; plus strand). Cytogenetic location: 2p21.
Variant type: Insertion.
Coding change: c.218-11_218-10insGCT on transcript NM_001430.5 (MANE Select); 11 bases into the intron before coding-DNA position 218 through 10 bases into the intron before coding-DNA position 218, GCT inserted.
Molecular consequence: intron variant.
Genome position: GRCh38 VCF-style: chr2-46356140-C-CGCT. GRCh37 (hg19) VCF-style: chr2-46583279-C-CGCT.
Identifiers: ClinVar variation 2650871 (VCV002650871.24), dbSNP rs142684263, ClinGen allele CA1644555.

ClinVar aggregate classification (germline): Benign (1 of 4 stars; one submission).

Allele frequency attached by ClinVar (database versions not stated): TOPMed 0.00001.

Submission:

CeGaT Center for Human Genetics Tuebingen
Classification: Benign. Last evaluated: 2023-08-01. Review status: criteria provided, single submitter. Criteria: CeGaT Center For Human Genetics Tuebingen Variant Classification Criteria Version 2. Collection method: clinical testing. Allele origin: germline. Affected: yes. Observed: 1 variant allele.
Comment: EPAS1: BS1, BS2